The following is an entry in ClinVar:

ClinVar aggregate classification (germline): Uncertain significance (1 of 4 stars; one submission).

gnomAD v4.1: 3 of 1,609,910 alleles (0.00019%); highest among the groups gnomAD compares: Non-Finnish European, 0.00025%; no homozygotes.

Submission:

Labcorp Genetics (formerly Invitae), Labcorp
Classification: Uncertain significance. Last evaluated: 2022-09-21. Review status: criteria provided, single submitter. Criteria: Invitae Variant Classification Sherloc (09022015). Collection method: clinical testing. Allele origin: germline.
Comment: Advanced modeling of protein sequence and biophysical properties (such as structural, functional, and spatial information, amino acid conservation, physicochemical variation, residue mobility, and thermodynamic stability) performed at Invitae indicates that this missense variant is not expected to disrupt NOTCH3 protein function. This sequence change replaces alanine, which is neutral and non-polar, with aspartic acid, which is acidic and polar, at codon 1927 of the NOTCH3 protein (p.Ala1927Asp). This variant is not present in population databases (gnomAD no frequency). This variant has not been reported in the literature in individuals affected with NOTCH3-related conditions. In summary, the available evidence is currently insufficient to determine the role of this variant in disease. Therefore, it has been classified as a Variant of Uncertain Significance.

NM_000435.3(NOTCH3):c.5780C>A (p.Ala1927Asp)

Gene: NOTCH3 (notch receptor 3; minus strand). Cytogenetic location: 19p13.12.
Variant type: single nucleotide variant.
Coding change: c.5780C>A on transcript NM_000435.3 (MANE Select); coding-DNA position 5780, C replaced by A.
Protein change: p.Ala1927Asp; replaces alanine 1927 with aspartic acid.
Molecular consequence: missense variant.
Genome position (GRCh38, 1-based): chr19:15,165,403, G>T on the plus strand (C>A on the coding strand, the complement: NOTCH3 is on the minus strand). VCF-style: chr19-15165403-G-T. GRCh37 (hg19) VCF-style: chr19-15276214-G-T.
Other names: short protein forms A1927D.
Identifiers: ClinVar variation 2029064 (VCV002029064.4), dbSNP rs779708449, ClinGen allele CA404493443.